The following is an entry in ClinVar:

ClinVar aggregate classification (germline): Uncertain significance (1 of 4 stars; one submission).

Conditions:
Hereditary cancer-predisposing syndrome. Also called: Neoplastic Syndromes, Hereditary; Tumor predisposition; Hereditary neoplastic syndrome; Hereditary Cancer Syndrome. Identifiers: Orphanet 140162, MedGen C0027672, MeSH D009386, MONDO:0015356.

Submission:

Ambry Genetics
Classification: Uncertain significance for Hereditary cancer-predisposing syndrome. Last evaluated: 2026-07-24. Review status: criteria provided, single submitter. Criteria: Ambry Variant Classification Scheme 2023. Collection method: clinical testing. Allele origin: germline.
Comment: The c.3264_3265delTGinsCCA variant, located in coding exon 26 of the POLE gene, results from the deletion of two nucleotides and insertion of 3 nucleotides causing a translational frameshift with a predicted alternate stop codon (p.V1089Hfs*35). This alteration is expected to result in loss of function by premature protein truncation or nonsense-mediated mRNA decay. Although biallelic loss of function of POLE has been associated with autosomal recessive POLE deficiency, haploinsufficiency of POLE has not been established as a mechanism of disease for POLE-related polymerase proofreading-associated polyposis (PPAP) and POLE-related CMMRD-like syndrome. Based on the supporting evidence, this variant is expected to be causative of POLE deficiency when present along with a second pathogenic variant on the other allele; however, its clinical significance for PPAP and POLE-related CMMRD-like syndrome is unclear.

NM_006231.4(POLE):c.3264_3265delinsCCA (p.Val1089fs)

Gene: POLE (DNA polymerase epsilon, catalytic subunit; minus strand). Cytogenetic location: 12q24.33.
Variant type: Indel.
Coding change: c.3264_3265delinsCCA on transcript NM_006231.4 (MANE Select); coding-DNA positions 3264 to 3265, TG replaced by CCA.
Protein change: p.Val1089fs; shifts the reading frame from valine 1089.
Molecular consequence: frameshift variant.
Genome position (GRCh38, 1-based): chr12:132,659,305-132,659,306, CA replaced by TGG on the plus strand (TG replaced by CCA on the coding strand, the reverse complement: POLE is on the minus strand). VCF-style: chr12-132659305-CA-TGG. GRCh37 (hg19) VCF-style: chr12-133235891-CA-TGG.
Other names: short protein forms V1089fs.
Identifiers: ClinVar variation 5027081 (VCV005027081.1).
Genomic context (GRCh38, chr12:132,659,305, plus strand): 5'-GTCCGTGATGGGAGGAGCCCTCACCTCTCCGTGATGGGGGGAGCCCTCACCTCTCCGTGA[CA>TGG]GGGGAGCCCTCGGGCTTGCGGGAGATGATGTAGCGGCAACTCAGCCCTGCATCCTTGACC-3'